The following is an entry in ClinVar:

ClinVar aggregate classification (germline): Pathogenic/Likely pathogenic. Review status: criteria provided, multiple submitters, no conflicts (2 of 4 stars). 3 submissions from 3 submitters: Pathogenic (2); Likely pathogenic (1). Last evaluated 2025-07-13.

Conditions:
Deficiency of steroid 17-alpha-monooxygenase. Also called: ADRENAL HYPERPLASIA V; Congenital adrenal hyperplasia due to 17-alpha-hydroxylase deficiency; Congenital adrenal hyperplasia type 5; 17-alpha-hydroxylase/17,20-lyase deficiency; 17-ALPHA-HYDROXYLASE DEFICIENCY. Identifiers: Orphanet 90793, MedGen C0268285, MONDO:0008730, OMIM 202110.

Allele frequency attached by ClinVar (database versions not stated): gnomAD exomes below 0.00001 and 0.00003.
gnomAD v4.1: 39 of 1,614,110 alleles (0.0024%); highest among the groups gnomAD compares: Non-Finnish European, 0.0032%; no homozygotes.

Submissions (3):

Natera, Inc.
Classification: Pathogenic for Deficiency of steroid 17-alpha-monooxygenase. Last evaluated: 2025-07-13. Review status: criteria provided, single submitter. Criteria: Natera Variant Classification Schema (03/2026). Collection method: clinical testing. Allele origin: germline.
Comment: The c.580G>T variant in CYP17A1 is a nonsense variant predicted to introduce a stop codon at amino acid 194. This variant is expected to result in nonsense mediated decay, truncation, or a dysfunctional protein product. This variant is rare in the general population with a frequency below the threshold expected for the associated phenotype(s). This variant has been observed in one or more individuals affected with the associated recessive disease, as either homozygous or compound heterozygous with a second variant (PMID: 8287576). Given the available evidence, this variant is classified as Pathogenic.

Department of Pathology and Laboratory Medicine, Sinai Health System
Classification: Likely pathogenic for Deficiency of steroid 17-alpha-monooxygenase. Last evaluated: 2023-03-20. Review status: criteria provided, single submitter. Criteria: ACMG Guidelines, 2015. Collection method: research. Allele origin: germline.

Labcorp Genetics (formerly Invitae), Labcorp
Classification: Pathogenic. Last evaluated: 2022-11-12. Review status: criteria provided, single submitter. Criteria: Invitae Variant Classification Sherloc (09022015). Collection method: clinical testing. Allele origin: germline.
Comment: This premature translational stop signal has been observed in individual(s) with CYP17A1-related conditions (PMID: 8287576). This sequence change creates a premature translational stop signal (p.Glu194*) in the CYP17A1 gene. It is expected to result in an absent or disrupted protein product. Loss-of-function variants in CYP17A1 are known to be pathogenic (PMID: 10720067, 14747197, 17192295, 20197673, 24140098). This variant is present in population databases (no rsID available, gnomAD 0.0009%). ClinVar contains an entry for this variant (Variation ID: 1322183). For these reasons, this variant has been classified as Pathogenic.

Literature cited by the submitters: PubMed 8287576 (cited by Natera, Inc. and Labcorp Genetics (formerly Invitae), Labcorp); PubMed 10720067 (cited by Labcorp Genetics (formerly Invitae), Labcorp); PubMed 14747197 (cited by Labcorp Genetics (formerly Invitae), Labcorp); PubMed 17192295 (cited by Labcorp Genetics (formerly Invitae), Labcorp); PubMed 20197673 (cited by Labcorp Genetics (formerly Invitae), Labcorp); PubMed 24140098 (cited by Labcorp Genetics (formerly Invitae), Labcorp).

NM_000102.4(CYP17A1):c.580G>T (p.Glu194Ter)

Gene: CYP17A1 (cytochrome P450 family 17 subfamily A member 1; minus strand). Cytogenetic location: 10q24.32.
Variant type: single nucleotide variant.
Coding change: c.580G>T on transcript NM_000102.4 (MANE Select); coding-DNA position 580, G replaced by T.
Protein change: p.Glu194Ter; replaces glutamic acid 194 with a stop codon.
Molecular consequence: nonsense.
Genome position (GRCh38, 1-based): chr10:102,834,871, C>A on the plus strand (G>T on the coding strand, the complement: CYP17A1 is on the minus strand). VCF-style: chr10-102834871-C-A. GRCh37 (hg19) VCF-style: chr10-104594628-C-A.
Other names: short protein forms E194*.
Identifiers: ClinVar variation 1322183 (VCV001322183.12), dbSNP rs1173000590, ClinGen allele CA377939912.